The following is an entry in ClinVar:

ClinVar aggregate classification (germline): Likely benign (1 of 4 stars; one submission).

Allele frequency attached by ClinVar (database versions not stated): 1000 Genomes Project 0.01358; 1000 Genomes Project 30x 0.01359; gnomAD 0.01405 and 0.01503; TOPMed 0.01568.
gnomAD v4.1: 3,590 of 1,174,162 alleles (0.31%); highest among the groups gnomAD compares: African/African-American, 4.9%; 88 homozygotes.

Submission:

GeneDx
Classification: Likely benign. Last evaluated: 2018-06-16. Review status: criteria provided, single submitter. Criteria: GeneDx Variant Classification (06012015). Collection method: clinical testing. Allele origin: germline. Affected: yes.
Comment: This variant is considered likely benign or benign based on one or more of the following criteria: it is a conservative change, it occurs at a poorly conserved position in the protein, it is predicted to be benign by multiple in silico algorithms, and/or has population frequency not consistent with disease.

NM_001376.5(DYNC1H1):c.13006+119C>T

Gene: DYNC1H1 (dynein cytoplasmic 1 heavy chain 1; plus strand). Cytogenetic location: 14q32.31.
Variant type: single nucleotide variant.
Coding change: c.13006+119C>T on transcript NM_001376.5 (MANE Select); 119 bases into the intron after coding-DNA position 13006, C replaced by T.
Molecular consequence: intron variant.
Genome position (GRCh38, 1-based): chr14:102,044,817, C>T. VCF-style: chr14-102044817-C-T. GRCh37 (hg19) VCF-style: chr14-102511154-C-T.
Identifiers: ClinVar variation 676937 (VCV000676937.1), dbSNP rs17541609, ClinGen allele CA14024936.